The following is an entry in ClinVar:

NM_182760.4(SUMF1):c.188G>A (p.Ser63Asn)

Genes: SUMF1 (sulfatase modifying factor 1; minus strand), LOC129936056 (ATAC-STARR-seq lymphoblastoid silent region 14016; plus strand). Cytogenetic location: 3p26.1.
Variant type: single nucleotide variant.
Coding change: c.188G>A on transcript NM_182760.4 (MANE Select); coding-DNA position 188, G replaced by A.
Protein change: p.Ser63Asn; replaces serine 63 with asparagine.
Molecular consequence: missense variant.
Genome position (GRCh38, 1-based): chr3:4,467,058, C>T on the plus strand (G>A on the coding strand, the complement: SUMF1 is on the minus strand). VCF-style: chr3-4467058-C-T. GRCh37 (hg19) VCF-style: chr3-4508742-C-T.
Other names: c.188G>A, p.Ser63Asn (NM_001164674.2, NM_001164675.2); short protein forms S63N.
Identifiers: ClinVar variation 263004 (VCV000263004.23), dbSNP rs2819590, ClinGen allele CA2230698.
Genomic context (GRCh38, chr3:4,467,058, plus strand): 5'-TCTCCGGGTACGGGGCCCGGAGCGTTAGCCTCCCGCGAGTATCGGTGAGCGGCTGCCGAA[C>T]TGCCATGGGCGCCAGGCCGCTGGGGCGTGCCGCAGCCGCAAGAACCCGCAAGGGACCCCG-3'
Protein context (NP_877437.2, residues 53-73): GTPQRPGAHG[Ser63Asn]SAAAHRYSRE

ClinVar aggregate classification (germline): Benign/Likely benign. Review status: criteria provided, multiple submitters, no conflicts (2 of 4 stars). 10 submissions from 10 submitters: Benign (7); Likely benign (1). 2 of the submissions do not count toward it. Last evaluated 2026-02-04.

Conditions:
Multiple sulfatase deficiency (MSD). Also called: Multiple Sulfatase Deficiency Disease; Mucosulfatidosis; Sulfatidosis, Juvenile, Austin Type. Identifiers: Orphanet 585, MedGen C0268263, MONDO:0010088, OMIM 272200.

Allele frequency attached by ClinVar (database versions not stated): 1000 Genomes Project 0.11661; 1000 Genomes Project 30x 0.12196; ESP Exome Variant Server 0.19441; TOPMed 0.19597; gnomAD 0.20341 and 0.20761; gnomAD exomes 0.21605; ExAC 0.28506.
gnomAD v4.1: 416,929 of 1,565,330 alleles (27%); highest among the groups gnomAD compares: Non-Finnish European, 31%; 60,974 homozygotes.

Submissions (10):

Labcorp Genetics (formerly Invitae), Labcorp
Classification: Benign for Multiple sulfatase deficiency. Last evaluated: 2026-02-04. Review status: criteria provided, single submitter. Criteria: Invitae Variant Classification Sherloc (09022015). Collection method: clinical testing. Allele origin: germline.

Blueprint Genetics
Classification: Likely benign. Last evaluated: 2024-11-26. Review status: criteria provided, single submitter. Criteria: ACMG Guidelines, 2015. Collection method: clinical testing. Allele origin: germline.

Pars Genome Lab
Classification: Benign for Multiple sulfatase deficiency. Last evaluated: 2021-06-15. Review status: criteria provided, single submitter. Criteria: ACMG Guidelines, 2015. Collection method: clinical testing. Allele origin: germline. Affected: no.

Women's Health and Genetics/Laboratory Corporation of America, LabCorp
Classification: Benign. Last evaluated: 2018-06-16. Review status: criteria provided, single submitter. Criteria: LabCorp Variant Classification Summary - May 2015. Collection method: clinical testing. Allele origin: germline.
Comment: Variant summary: SUMF1 c.188G>A (p.Ser63Asn) results in a conservative amino acid change in the encoded protein sequence. Four of five in-silico tools predict a benign effect of the variant on protein function. The variant allele was found at a frequency of 0.21 in 198742 control chromosomes in the gnomAD database, including 5502 homozygotes. The observed variant frequency is approximately 191 fold above the estimated maximal expected allele frequency for a pathogenic variant in SUMF1 causing Multiple Sulfatase Deficiency phenotype (0.0011), strongly suggesting that the variant is benign. Variant c.188G>A has been reported in individuals affected with Multiple Sulfatase Deficiency and authors listed the variant as a polymorphism (Dierks_2003). To our knowledge, no experimental evidence demonstrating its impact on protein function have been reported. Two clinical diagnostic laboratories have submitted clinical-significance assessments for this variant to ClinVar and both classified the variant as benign. Based on the evidence outlined above, the variant was classified as benign.

Illumina Laboratory Services, Illumina
Classification: Benign for Multiple sulfatase deficiency. Last evaluated: 2018-01-13. Review status: criteria provided, single submitter. Criteria: ICSL Variant Classification Criteria 13 December 2019. Collection method: clinical testing. Allele origin: germline.
Comment: This variant was observed in the ICSL laboratory as part of a predisposition screen in an ostensibly healthy population. It had not been previously curated by ICSL or reported in the Human Gene Mutation Database (HGMD: prior to June 1st, 2018), and was therefore a candidate for classification through an automated scoring system. Utilizing variant allele frequency, disease prevalence and penetrance estimates, and inheritance mode, an automated score was calculated to assess if this variant is too frequent to cause the disease. Based on the score and internal cut-off values, a variant classified as benign is not then subjected to further curation. The score for this variant resulted in a classification of benign for this disease.

GeneDx
Classification: Benign. Last evaluated: 2015-03-03. Review status: criteria provided, single submitter. Criteria: GeneDx Variant Classification Process June 2021. Collection method: clinical testing. Allele origin: germline. Affected: yes.

Breakthrough Genomics
Classification: Benign. Review status: criteria provided, single submitter. Criteria: ACMG Guidelines, 2015. Collection method: not provided. Allele origin: germline. Inheritance: Autosomal recessive inheritance. Affected: yes.

PreventionGenetics, part of Exact Sciences
Classification: Benign. Review status: criteria provided, single submitter. Criteria: ACMG Guidelines, 2015. Collection method: clinical testing. Allele origin: germline.

Natera, Inc.
Classification: Benign for Multiple sulfatase deficiency. Last evaluated: 2020-09-16. Review status: no assertion criteria provided. Collection method: clinical testing. Allele origin: germline. Not counted in ClinVar's aggregate classification.

Mayo Clinic Laboratories, Mayo Clinic
Classification: Benign. Last evaluated: 2015-10-23. Review status: no assertion criteria provided. Collection method: clinical testing. Allele origin: unknown. Not counted in ClinVar's aggregate classification.

Literature cited by the submitters: PubMed 12757705 (cited by Women's Health and Genetics/Laboratory Corporation of America, LabCorp).